The following is an entry in ClinVar:

ClinVar aggregate classification (germline): Conflicting classifications of pathogenicity. Review status: criteria provided, conflicting classifications (1 of 4 stars). 3 submissions from 3 submitters: Uncertain significance (2); Likely benign (1). Last evaluated 2025-03-15.

Conditions:
Inborn genetic diseases. Identifiers: MedGen C0950123, MeSH D030342.
Autosomal dominant Parkinson disease 8. Also called: LRRK2-Related Parkinson Disease; Parkinson disease 8; Parkinson disease 8, susceptibility to. Identifiers: Orphanet 411602, MedGen C1846862, MONDO:0011764, OMIM 607060.

Allele frequency attached by ClinVar (database versions not stated): gnomAD exomes 0.00002; gnomAD 0.00004; TOPMed 0.00005.
gnomAD v4.1: 33 of 1,613,480 alleles (0.002%); highest among the groups gnomAD compares: African/African-American, 0.004%; no homozygotes.

Submissions (3):

Ambry Genetics
Classification: Uncertain significance for Inborn genetic diseases. Last evaluated: 2025-03-15. Review status: criteria provided, single submitter. Criteria: Ambry Variant Classification Scheme 2023. Collection method: clinical testing. Allele origin: germline.

CeGaT Center for Human Genetics Tuebingen
Classification: Likely benign. Last evaluated: 2022-11-01. Review status: criteria provided, single submitter. Criteria: CeGaT Center For Human Genetics Tuebingen Variant Classification Criteria Version 2. Collection method: clinical testing. Allele origin: germline. Affected: yes. Observed: 1 variant allele.
Comment: LRRK2: BP4

Labcorp Genetics (formerly Invitae), Labcorp
Classification: Uncertain significance for Autosomal dominant Parkinson disease 8. Last evaluated: 2022-09-05. Review status: criteria provided, single submitter. Criteria: Invitae Variant Classification Sherloc (09022015). Collection method: clinical testing. Allele origin: germline.
Comment: This sequence change replaces arginine, which is basic and polar, with serine, which is neutral and polar, at codon 1282 of the LRRK2 protein (p.Arg1282Ser). This variant is present in population databases (no rsID available, gnomAD 0.008%). In summary, the available evidence is currently insufficient to determine the role of this variant in disease. Therefore, it has been classified as a Variant of Uncertain Significance. This variant has not been reported in the literature in individuals affected with LRRK2-related conditions. ClinVar contains an entry for this variant (Variation ID: 1386227). Algorithms developed to predict the effect of missense changes on protein structure and function (SIFT, PolyPhen-2, Align-GVGD) all suggest that this variant is likely to be tolerated.

NM_198578.4(LRRK2):c.3846A>T (p.Arg1282Ser)

Gene: LRRK2 (leucine rich repeat kinase 2; plus strand). Cytogenetic location: 12q12.
Variant type: single nucleotide variant.
Coding change: c.3846A>T on transcript NM_198578.4 (MANE Select); coding-DNA position 3846, A replaced by T.
Protein change: p.Arg1282Ser; replaces arginine 1282 with serine.
Molecular consequence: missense variant.
Genome position (GRCh38, 1-based): chr12:40,305,853, A>T. VCF-style: chr12-40305853-A-T. GRCh37 (hg19) VCF-style: chr12-40699655-A-T.
Other names: c.3846A>T (NM_198578.3); short protein forms R1282S.
Identifiers: ClinVar variation 1386227 (VCV001386227.36), dbSNP rs886344692, ClinGen allele CA235352764.